The following is an entry in ClinVar:

ClinVar aggregate classification (germline): Uncertain significance (1 of 4 stars; one submission).

Allele frequency attached by ClinVar (database versions not stated): gnomAD exomes below 0.00001; ExAC 0.00001; gnomAD 0.00001; TOPMed 0.00001.
gnomAD v4.1: 6 of 1,613,114 alleles (0.00037%); highest among the groups gnomAD compares: East Asian, 0.011%; no homozygotes.

Submission:

Labcorp Genetics (formerly Invitae), Labcorp
Classification: Uncertain significance. Last evaluated: 2023-12-23. Review status: criteria provided, single submitter. Criteria: Invitae Variant Classification Sherloc (09022015). Collection method: clinical testing. Allele origin: germline.
Comment: This sequence change replaces proline, which is neutral and non-polar, with serine, which is neutral and polar, at codon 816 of the CLCN6 protein (p.Pro816Ser). This variant is present in population databases (rs770962264, gnomAD 0.02%). This variant has not been reported in the literature in individuals affected with CLCN6-related conditions. An algorithm developed to predict the effect of missense changes on protein structure and function (PolyPhen-2) suggests that this variant is likely to be disruptive. In summary, the available evidence is currently insufficient to determine the role of this variant in disease. Therefore, it has been classified as a Variant of Uncertain Significance.

NM_001286.5(CLCN6):c.2446C>T (p.Pro816Ser)

Gene: CLCN6 (chloride voltage-gated channel 6; plus strand). Cytogenetic location: 1p36.22.
Variant type: single nucleotide variant.
Coding change: c.2446C>T on transcript NM_001286.5 (MANE Select); coding-DNA position 2446, C replaced by T.
Protein change: p.Pro816Ser; replaces proline 816 with serine.
Molecular consequence: missense variant. On other transcripts: non-coding transcript variant (1).
Genome position (GRCh38, 1-based): chr1:11,838,577, C>T. VCF-style: chr1-11838577-C-T. GRCh37 (hg19) VCF-style: chr1-11898634-C-T.
Other names: c.2380C>T, p.Pro794Ser (NM_001256959.2); short protein forms P816S, P794S.
Identifiers: ClinVar variation 2983878 (VCV002983878.3), dbSNP rs770962264, ClinGen allele CA596863.